The following is an entry in ClinVar:

NM_004006.3(DMD):c.1667A>G (p.Asp556Gly)

Gene: DMD (dystrophin; minus strand). Cytogenetic location: Xp21.1.
Variant type: single nucleotide variant.
Coding change: c.1667A>G on transcript NM_004006.3 (MANE Select); coding-DNA position 1667, A replaced by G.
Protein change: p.Asp556Gly; replaces aspartic acid 556 with glycine.
Molecular consequence: missense variant.
Genome position (GRCh38, 1-based): chrX:32,573,782, T>C on the plus strand (A>G on the coding strand, the complement: DMD is on the minus strand). VCF-style: chrX-32573782-T-C. GRCh37 (hg19) VCF-style: chrX-32591899-T-C.
Other names: c.1643A>G, p.Asp548Gly (NM_000109.4); c.1655A>G, p.Asp552Gly (NM_004009.3); c.1298A>G, p.Asp433Gly (NM_004010.3); short protein forms D433G, D548G, D552G, D556G.
Identifiers: ClinVar variation 3730193 (VCV003730193.2).

ClinVar aggregate classification (germline): Uncertain significance (1 of 4 stars; one submission).

Conditions:
Duchenne muscular dystrophy (DMD). Also called: Duchenne Muscular Dystrophy (DMD); MUSCULAR DYSTROPHY, PSEUDOHYPERTROPHIC PROGRESSIVE, DUCHENNE TYPE. Identifiers: Orphanet 98896, MedGen C0013264, MONDO:0010679, OMIM 310200.

Submission:

Labcorp Genetics (formerly Invitae), Labcorp
Classification: Uncertain significance for Duchenne muscular dystrophy. Last evaluated: 2024-09-09. Review status: criteria provided, single submitter. Criteria: Invitae Variant Classification Sherloc (09022015). Collection method: clinical testing. Allele origin: germline.
Comment: This sequence change replaces aspartic acid, which is acidic and polar, with glycine, which is neutral and non-polar, at codon 556 of the DMD protein (p.Asp556Gly). This variant is not present in population databases (gnomAD no frequency). This variant has not been reported in the literature in individuals affected with DMD-related conditions. Invitae Evidence Modeling of protein sequence and biophysical properties (such as structural, functional, and spatial information, amino acid conservation, physicochemical variation, residue mobility, and thermodynamic stability) indicates that this missense variant is not expected to disrupt DMD protein function with a negative predictive value of 95%. In summary, the available evidence is currently insufficient to determine the role of this variant in disease. Therefore, it has been classified as a Variant of Uncertain Significance.